The following is an entry in ClinVar:

ClinVar aggregate classification (germline): Uncertain significance. Review status: criteria provided, multiple submitters, no conflicts (2 of 4 stars). 2 submissions from 2 submitters: Uncertain significance (2). Last evaluated 2024-06-15.

Conditions:
Glycogen storage disease, type II (IOPD). Also called: Glycogen storage disease type 2; Acid maltase deficiency disease; Aglucosidase alfa; Deficiency of alpha-glucosidase; Deficiency of lysosomal alpha-glucosidase; CARDIOMEGALIA GLYCOGENICA DIFFUSA. Identifiers: Orphanet 365, MedGen C0017921, MONDO:0009290, OMIM 232300.

Submissions (2):

Blueprint Genetics
Classification: Uncertain significance. Last evaluated: 2024-06-15. Review status: criteria provided, single submitter. Criteria: ACMG Guidelines, 2015. Collection method: clinical testing. Allele origin: germline.

Labcorp Genetics (formerly Invitae), Labcorp
Classification: Uncertain significance for Glycogen storage disease, type II. Last evaluated: 2024-06-05. Review status: criteria provided, single submitter. Criteria: Invitae Variant Classification Sherloc (09022015). Collection method: clinical testing. Allele origin: germline.
Comment: This sequence change replaces proline, which is neutral and non-polar, with threonine, which is neutral and polar, at codon 451 of the GAA protein (p.Pro451Thr). This variant is not present in population databases (gnomAD no frequency). This variant has not been reported in the literature in individuals affected with GAA-related conditions. Advanced modeling of protein sequence and biophysical properties (such as structural, functional, and spatial information, amino acid conservation, physicochemical variation, residue mobility, and thermodynamic stability) has been performed at Invitae for this missense variant, however the output from this modeling did not meet the statistical confidence thresholds required to predict the impact of this variant on GAA protein function. In summary, the available evidence is currently insufficient to determine the role of this variant in disease. Therefore, it has been classified as a Variant of Uncertain Significance.

NM_000152.5(GAA):c.1351C>A (p.Pro451Thr)

Gene: GAA (alpha glucosidase; plus strand). Cytogenetic location: 17q25.3.
Variant type: single nucleotide variant.
Coding change: c.1351C>A on transcript NM_000152.5 (MANE Select); coding-DNA position 1351, C replaced by A.
Protein change: p.Pro451Thr; replaces proline 451 with threonine.
Molecular consequence: missense variant.
Genome position (GRCh38, 1-based): chr17:80,109,969, C>A. VCF-style: chr17-80109969-C-A. GRCh37 (hg19) VCF-style: chr17-78083768-C-A.
Other names: c.1351C>A, p.Pro451Thr (NM_001079803.3, NM_001079804.3, NM_001406741.1 and 1 more transcripts); short protein forms P451T.
Identifiers: ClinVar variation 3634754 (VCV003634754.3).